The following is an entry in ClinVar:

ClinVar aggregate classification (germline): Uncertain significance (1 of 4 stars; one submission).

Allele frequency attached by ClinVar (database versions not stated): gnomAD exomes below 0.00001; gnomAD 0.00001; TOPMed 0.00001.
gnomAD v4.1: 8 of 1,613,838 alleles (0.0005%); highest among the groups gnomAD compares: African/African-American, 0.0027%; no homozygotes.

Submission:

Labcorp Genetics (formerly Invitae), Labcorp
Classification: Uncertain significance. Last evaluated: 2022-04-06. Review status: criteria provided, single submitter. Criteria: Invitae Variant Classification Sherloc (09022015). Collection method: clinical testing. Allele origin: germline.
Comment: This sequence change replaces arginine, which is basic and polar, with histidine, which is basic and polar, at codon 4040 of the USH2A protein (p.Arg4040His). This variant is not present in population databases (gnomAD no frequency). This variant has not been reported in the literature in individuals affected with USH2A-related conditions. Algorithms developed to predict the effect of missense changes on protein structure and function output the following: SIFT: "Tolerated"; PolyPhen-2: "Benign"; Align-GVGD: "Class C0". The histidine amino acid residue is found in multiple mammalian species, which suggests that this missense change does not adversely affect protein function. In summary, the available evidence is currently insufficient to determine the role of this variant in disease. Therefore, it has been classified as a Variant of Uncertain Significance.

NM_206933.4(USH2A):c.12119G>A (p.Arg4040His)

Gene: USH2A (usherin; minus strand). Cytogenetic location: 1q41.
Variant type: single nucleotide variant.
Coding change: c.12119G>A on transcript NM_206933.4 (MANE Select); coding-DNA position 12119, G replaced by A.
Protein change: p.Arg4040His; replaces arginine 4040 with histidine.
Molecular consequence: missense variant.
Genome position (GRCh38, 1-based): chr1:215,680,324, C>T on the plus strand (G>A on the coding strand, the complement: USH2A is on the minus strand). VCF-style: chr1-215680324-C-T. GRCh37 (hg19) VCF-style: chr1-215853666-C-T.
Other names: short protein forms R4040H.
Identifiers: ClinVar variation 2163678 (VCV002163678.1), dbSNP rs1238450377, ClinGen allele CA344816630.
Genomic context (GRCh38, chr1:215,680,324, plus strand): 5'-TGAATCAGAGTCCAAGGGCTTAAAATTTCTCCTGCATGGTTTGCAGCCACAACACCAATG[C>T]GATATGTTGTGAATGGTTCTAACCCGTACAGGTGGGCTTGATGGCTTGTTCCCTGTAAGA-3'
Protein context (NP_996816.3, residues 4030-4050): LYGLEPFTTY[Arg4040His]IGVVAANHAG